The following is an entry in ClinVar:

NM_001136191.3(KANK2):c.1911C>A (p.His637Gln)

Gene: KANK2 (KN motif and ankyrin repeat domains 2; minus strand). Cytogenetic location: 19p13.2.
Variant type: single nucleotide variant.
Coding change: c.1911C>A on transcript NM_001136191.3 (MANE Select); coding-DNA position 1911, C replaced by A.
Protein change: p.His637Gln; replaces histidine 637 with glutamine.
Molecular consequence: missense variant.
Genome position (GRCh38, 1-based): chr19:11,174,630, G>T on the plus strand (C>A on the coding strand, the complement: KANK2 is on the minus strand). VCF-style: chr19-11174630-G-T. GRCh37 (hg19) VCF-style: chr19-11285306-G-T.
Other names: c.1911C>A, p.His637Gln (NM_001329451.2, NM_001379555.1, NM_001379556.1 and 7 more transcripts); c.1935C>A, p.His645Gln (NM_001379548.1, NM_001379549.1, NM_001379550.1 and 5 more transcripts); c.1935C>A (NM_015493.6); short protein forms H637Q, H645Q.
Identifiers: ClinVar variation 2706656 (VCV002706656.4), dbSNP rs777617056, ClinGen allele CA9205462.

ClinVar aggregate classification (germline): Uncertain significance. Review status: criteria provided, multiple submitters, no conflicts (2 of 4 stars). 2 submissions from 2 submitters: Uncertain significance (2). Last evaluated 2024-12-09.

Allele frequency attached by ClinVar (database versions not stated): ExAC 0.00003.

Submissions (2):

Ambry Genetics
Classification: Uncertain significance. Last evaluated: 2024-12-09. Review status: criteria provided, single submitter. Criteria: Ambry Variant Classification Scheme 2023. Collection method: clinical testing. Allele origin: germline.

Labcorp Genetics (formerly Invitae), Labcorp
Classification: Uncertain significance. Last evaluated: 2023-07-03. Review status: criteria provided, single submitter. Criteria: Invitae Variant Classification Sherloc (09022015). Collection method: clinical testing. Allele origin: germline.
Comment: This sequence change replaces histidine, which is basic and polar, with glutamine, which is neutral and polar, at codon 637 of the KANK2 protein (p.His637Gln). This variant is present in population databases (rs777617056, gnomAD 0.03%). This variant has not been reported in the literature in individuals affected with KANK2-related conditions. Algorithms developed to predict the effect of missense changes on protein structure and function output the following: SIFT: "Not Available"; PolyPhen-2: "Benign"; Align-GVGD: "Not Available". The glutamine amino acid residue is found in multiple mammalian species, which suggests that this missense change does not adversely affect protein function. In summary, the available evidence is currently insufficient to determine the role of this variant in disease. Therefore, it has been classified as a Variant of Uncertain Significance.